The following is an entry in ClinVar:

ClinVar aggregate classification (germline): Likely benign (1 of 4 stars; one submission).

Conditions:
FREM1-related disorder. Also called: FREM1-Related Disorders; FREM1-related condition.

gnomAD v4.1: 71 of 1,494,970 alleles (0.0047%); highest among the groups gnomAD compares: Admixed American, 0.0095%; no homozygotes.

Submission:

PreventionGenetics, part of Exact Sciences
Classification: Likely benign for FREM1-related condition. Last evaluated: 2026-04-23. Review status: criteria provided, single submitter. Criteria: ACMG Guidelines, 2015. Collection method: clinical testing. Allele origin: germline.
Comment: This variant is classified as likely benign based on ACMG/AMP sequence variant interpretation guidelines (Richards et al. 2015 PMID: 25741868, with internal and published modifications).

NM_001379081.2(FREM1):c.4443-52A>T

Gene: FREM1 (FRAS1 related extracellular matrix 1; minus strand). Cytogenetic location: 9p22.3.
Variant type: single nucleotide variant.
Coding change: c.4443-52A>T on transcript NM_001379081.2 (MANE Select); 52 bases into the intron before coding-DNA position 4443, A replaced by T.
Molecular consequence: intron variant. On other transcripts: 5 prime UTR variant (3), non-coding transcript variant (2).
Genome position (GRCh38, 1-based): chr9:14,776,255, T>A on the plus strand (A>T on the coding strand, the complement: FREM1 is on the minus strand). VCF-style: chr9-14776255-T-A. GRCh37 (hg19) VCF-style: chr9-14776253-T-A.
Other names: c.-2A>T (NM_001177704.3, NM_001370058.2, NM_001370061.2); c.4443-52A>T (NM_144966.7).
Identifiers: ClinVar variation 4978699 (VCV004978699.1).
Genomic context (GRCh38, chr9:14,776,255, plus strand): 5'-ATGATGAATCTGGTAAAGAGAGGCAAGGCAGCCTTCAGCATGGATTCTTGTGTCACCATC[T>A]ACTGGAATGAAATGATAACAATACACACCTTTACTAAAGGGTATTGTCGTGTTGTGACTC-3'